The following is an entry in ClinVar:

NM_001040716.2(PC):c.1683G>A (p.Pro561=)

Gene: PC (pyruvate carboxylase; minus strand). Cytogenetic location: 11q13.2.
Variant type: single nucleotide variant.
Coding change: c.1683G>A on transcript NM_001040716.2 (MANE Select); coding-DNA position 1683, G replaced by A.
Protein change: p.Pro561=; no amino-acid change (proline 561 retained).
Molecular consequence: synonymous variant.
Genome position (GRCh38, 1-based): chr11:66,852,581, C>T on the plus strand (G>A on the coding strand, the complement: PC is on the minus strand). VCF-style: chr11-66852581-C-T. GRCh37 (hg19) VCF-style: chr11-66620052-C-T.
Other names: c.1683G>A (NM_001040716.1); c.1683G>A, p.Pro561= (NM_000920.4, NM_022172.3).
Identifiers: ClinVar variation 512005 (VCV000512005.38), dbSNP rs113071273, ClinGen allele CA6131291.

ClinVar aggregate classification (germline): Benign/Likely benign. Review status: criteria provided, multiple submitters, no conflicts (2 of 4 stars). 4 submissions from 4 submitters: Benign (1); Likely benign (2). 1 of the submissions does not count toward it. Last evaluated 2026-06-01.

Conditions:
PC-related disorder. Also called: PC-related condition.
Pyruvate carboxylase deficiency. Also called: Pyruvate Carboxylase Deficiency Disease; ATAXIA WITH LACTIC ACIDOSIS II; LEIGH NECROTIZING ENCEPHALOPATHY DUE TO PYRUVATE CARBOXYLASE DEFICIENCY; LEIGH SYNDROME DUE TO PYRUVATE CARBOXYLASE DEFICIENCY; PC DEFICIENCY. Identifiers: Orphanet 3008, MedGen C0034341, MONDO:0009949, OMIM 266150.

Allele frequency attached by ClinVar (database versions not stated): TOPMed 0.00013; 1000 Genomes Project 30x 0.00016; gnomAD 0.00019; 1000 Genomes Project 0.00020; ExAC 0.00022; ESP Exome Variant Server 0.00031.
gnomAD v4.1: 393 of 1,614,006 alleles (0.024%); highest among the groups gnomAD compares: Non-Finnish European, 0.02%; 1 homozygote.

Submissions (4):

CeGaT Center for Human Genetics Tuebingen
Classification: Likely benign. Last evaluated: 2026-06-01. Review status: criteria provided, single submitter. Criteria: CeGaT Center For Human Genetics Tuebingen Variant Classification Criteria Version 2. Collection method: clinical testing. Allele origin: germline. Affected: yes. Observed: 2 variant alleles.
Comment: PC: BP4, BP7

Labcorp Genetics (formerly Invitae), Labcorp
Classification: Benign for Pyruvate carboxylase deficiency. Last evaluated: 2026-01-24. Review status: criteria provided, single submitter. Criteria: Invitae Variant Classification Sherloc (09022015). Collection method: clinical testing. Allele origin: germline.

GeneDx
Classification: Likely benign. Last evaluated: 2020-05-20. Review status: criteria provided, single submitter. Criteria: GeneDx Variant Classification Process June 2021. Collection method: clinical testing. Allele origin: germline. Affected: yes.

PreventionGenetics, part of Exact Sciences
Classification: Likely benign for PC-related condition. Last evaluated: 2024-04-25. Review status: no assertion criteria provided. Collection method: clinical testing. Allele origin: germline. Not counted in ClinVar's aggregate classification.
Comment: This variant is classified as likely benign based on ACMG/AMP sequence variant interpretation guidelines (Richards et al. 2015 PMID: 25741868, with internal and published modifications).